The following is an entry in ClinVar:

NM_177438.3(DICER1):c.1680T>C (p.Tyr560=)

Gene: DICER1 (dicer 1, ribonuclease III; minus strand). Cytogenetic location: 14q32.13.
Variant type: single nucleotide variant.
Coding change: c.1680T>C on transcript NM_177438.3 (MANE Select); coding-DNA position 1680, T replaced by C.
Protein change: p.Tyr560=; no amino-acid change (tyrosine 560 retained).
Molecular consequence: synonymous variant.
Genome position (GRCh38, 1-based): chr14:95,116,525, A>G on the plus strand (T>C on the coding strand, the complement: DICER1 is on the minus strand). VCF-style: chr14-95116525-A-G. GRCh37 (hg19) VCF-style: chr14-95582862-A-G.
Other names: c.1680T>C, p.Tyr560= (NM_001195573.1, NM_001271282.3, NM_001291628.2 and 1 more transcripts); c.1680T>C (NM_177438.2).
Identifiers: ClinVar variation 1595463 (VCV001595463.12), dbSNP rs1892487417, ClinGen allele CA487845125.

ClinVar aggregate classification (germline): Benign/Likely benign. Review status: criteria provided, multiple submitters, no conflicts (2 of 4 stars). 3 submissions from 3 submitters: Benign (1); Likely benign (2). Last evaluated 2026-04-15.

Conditions:
DICER1-related tumor predisposition. Also called: DICER1-related pleuropulmonary blastoma cancer predisposition syndrome; DICER1 syndrome. Identifiers: Orphanet 284343, MedGen C3839822, MONDO:0100216.
Hereditary cancer-predisposing syndrome. Also called: Neoplastic Syndromes, Hereditary; Tumor predisposition; Hereditary Cancer Syndrome; Hereditary neoplastic syndrome. Identifiers: Orphanet 140162, MedGen C0027672, MeSH D009386, MONDO:0015356.

Allele frequency attached by ClinVar (database versions not stated): gnomAD exomes 0.00001.
gnomAD v4.1: 5 of 1,614,048 alleles (0.00031%); highest among the groups gnomAD compares: East Asian, 0.0089%; no homozygotes.

Submissions (3):

Myriad Genetics, Inc.
Classification: Benign for DICER1-related tumor predisposition. Last evaluated: 2026-04-15. Review status: criteria provided, single submitter. Criteria: Myriad Autosomal Dominant, Autosomal Recessive and X-Linked Classification Criteria (2023). Collection method: clinical testing. Allele origin: unknown.
Comment: This variant is considered benign. This variant is a silent/synonymous amino acid change and it is not expected to impact splicing.

Ambry Genetics
Classification: Likely benign for Hereditary cancer-predisposing syndrome. Last evaluated: 2023-03-08. Review status: criteria provided, single submitter. Criteria: Ambry Variant Classification Scheme 2023. Collection method: clinical testing. Allele origin: germline.

Labcorp Genetics (formerly Invitae), Labcorp
Classification: Likely benign for DICER1-related tumor predisposition. Last evaluated: 2022-12-05. Review status: criteria provided, single submitter. Criteria: Invitae Variant Classification Sherloc (09022015). Collection method: clinical testing. Allele origin: germline.